The following is an entry in ClinVar:

ClinVar aggregate classification (germline): Uncertain significance (1 of 4 stars; one submission).

Conditions:
Primary ciliary dyskinesia. Also called: Ciliary dyskinesia. Identifiers: Orphanet 244, MedGen C0008780, MONDO:0016575, HP:0012265.

Allele frequency attached by ClinVar (database versions not stated): gnomAD 0.00001; gnomAD exomes 0.00001; ExAC 0.00002; 1000 Genomes Project 30x 0.00016; 1000 Genomes Project 0.00020.
gnomAD v4.1: 21 of 1,614,128 alleles (0.0013%); highest among the groups gnomAD compares: South Asian, 0.0066%; no homozygotes.

Submission:

Ambry Genetics
Classification: Uncertain significance for Primary ciliary dyskinesia. Last evaluated: 2020-10-09. Review status: criteria provided, single submitter. Criteria: Ambry Variant Classification Scheme 2023. Collection method: clinical testing. Allele origin: germline.
Comment: The p.R948H variant (also known as c.2843G>A), located in coding exon 18 of the ARMC4 gene, results from a G to A substitution at nucleotide position 2843. The arginine at codon 948 is replaced by histidine, an amino acid with highly similar properties. This amino acid position is poorly conserved in available vertebrate species. In addition, this alteration is predicted to be tolerated by in silico analysis. Since supporting evidence is limited at this time, the clinical significance of this alteration remains unclear.

NM_018076.5(ODAD2):c.2843G>A (p.Arg948His)

Gene: ODAD2 (outer dynein arm docking complex subunit 2; minus strand). Cytogenetic location: 10p12.1.
Variant type: single nucleotide variant.
Coding change: c.2843G>A on transcript NM_018076.5 (MANE Select); coding-DNA position 2843, G replaced by A.
Protein change: p.Arg948His; replaces arginine 948 with histidine.
Molecular consequence: missense variant.
Genome position (GRCh38, 1-based): chr10:27,860,803, C>T on the plus strand (G>A on the coding strand, the complement: ODAD2 is on the minus strand). VCF-style: chr10-27860803-C-T. GRCh37 (hg19) VCF-style: chr10-28149732-C-T.
Other names: c.2843G>A, p.Arg948His (NM_001290020.2); c.1418G>A, p.Arg473His (NM_001290021.2); c.1919G>A, p.Arg640His (NM_001312689.2); short protein forms R473H, R640H, R948H.
Identifiers: ClinVar variation 1800354 (VCV001800354.2), dbSNP rs553623329, ClinGen allele CA5453084.
Genomic context (GRCh38, chr10:27,860,803, plus strand): 5'-AGTGGAGCCACTGCTTTGTGCTCACCGAAGGCCACTCTATTCCTGCCCCACATACAGCAA[C>T]GTGAAATAGCTTCTGCTAGATGATGTCTCAATTTATTGTTATTCTGTGCAAGGGAAAATG-3'
Protein context (NP_060546.2, residues 938-958): LRHHLAEAIS[Arg948His]CCMWGRNRVA